The following is an entry in ClinVar:

ClinVar aggregate classification (germline): Benign/Likely benign. Review status: criteria provided, multiple submitters, no conflicts (2 of 4 stars). 11 submissions from 11 submitters: Benign (7); Likely benign (2). 2 of the submissions do not count toward it. Last evaluated 2026-02-03.

Conditions:
Cardiac arrhythmia, ankyrin-B-related. Also called: ANKYRIN-B SYNDROME. Identifiers: Orphanet 101016, Orphanet 768, MedGen C1970119, MONDO:0010958, OMIM 600919.
Long QT syndrome (LQTS). Identifiers: MedGen C0023976, MeSH D008133, MONDO:0002442. Disease mechanism: loss of function. Inheritance: Various modes of inheritance.

Allele frequency attached by ClinVar (database versions not stated): 1000 Genomes Project 0.00120; 1000 Genomes Project 30x 0.00125; gnomAD exomes 0.00413; TOPMed 0.00476; gnomAD 0.00513 and 0.00538; ESP Exome Variant Server 0.00515; ExAC 0.00597.
gnomAD v4.1: 12,329 of 1,606,854 alleles (0.77%); highest among the groups gnomAD compares: Non-Finnish European, 1%; 80 homozygotes.

Submissions (11):

Labcorp Genetics (formerly Invitae), Labcorp
Classification: Benign for Long QT syndrome. Last evaluated: 2026-02-03. Review status: criteria provided, single submitter. Criteria: Invitae Variant Classification Sherloc (09022015). Collection method: clinical testing. Allele origin: germline.

Blueprint Genetics
Classification: Likely benign. Last evaluated: 2024-11-24. Review status: criteria provided, single submitter. Criteria: ACMG Guidelines, 2015. Collection method: clinical testing. Allele origin: germline.

ARUP Laboratories, Molecular Genetics and Genomics, ARUP Laboratories
Classification: Benign. Last evaluated: 2023-10-26. Review status: criteria provided, single submitter. Criteria: ARUP Molecular Germline Variant Investigation Process 2024. Collection method: clinical testing. Allele origin: germline.

Genome-Nilou Lab
Classification: Benign for Cardiac arrhythmia, ankyrin-B-related. Last evaluated: 2021-12-05. Review status: criteria provided, single submitter. Criteria: ACMG Guidelines, 2015. Collection method: clinical testing. Allele origin: germline. Affected: no.

Fulgent Genetics
Classification: Benign for Cardiac arrhythmia, ankyrin-B-related. Last evaluated: 2021-07-26. Review status: criteria provided, single submitter. Criteria: ACMG Guidelines, 2015. Collection method: clinical testing. Allele origin: unknown.

Women's Health and Genetics/Laboratory Corporation of America, LabCorp
Classification: Benign. Last evaluated: 2019-08-26. Review status: criteria provided, single submitter. Criteria: LabCorp Variant Classification Summary - May 2015. Collection method: clinical testing. Allele origin: germline.
Comment: Variant summary: ANK2 c.2278-11G>A alters a non-conserved nucleotide located close to a canonical splice site and therefore could affect mRNA splicing, leading to a significantly altered protein sequence. 5/5 computational tools predict no significant impact on normal splicing. However, these predictions have yet to be confirmed by functional studies. The variant allele was found at a frequency of 0.0041 in 237478 control chromosomes, predominantly at a frequency of 0.0082 within the Non-Finnish European subpopulation in the gnomAD database, including 3 homozygotes. The observed variant frequency within Non-Finnish European control individuals in the gnomAD database is approximately 820 fold of the estimated maximal expected allele frequency for a pathogenic variant in ANK2 causing Arrhythmia phenotype (1e-05), strongly suggesting that the variant is a benign polymorphism found primarily in populations of Non-Finnish European origin. To our knowledge, no occurrence of c.2278-11G>A in individuals affected with Arrhythmia and no experimental evidence demonstrating an impact on protein function have been reported. Two ClinVar submissions (evaluation after 2014) cite the variant as likely benign/benign. Based on the evidence outlined above, the variant was classified as benign.

Illumina Laboratory Services, Illumina
Classification: Likely benign for Cardiac arrhythmia, ankyrin-B-related. Last evaluated: 2018-01-12. Review status: criteria provided, single submitter. Criteria: ICSL Variant Classification Criteria 13 December 2019. Collection method: clinical testing. Allele origin: germline.
Comment: This variant was observed in the ICSL laboratory as part of a predisposition screen in an ostensibly healthy population. It had not been previously curated by ICSL or reported in the Human Gene Mutation Database (HGMD: prior to June 1st, 2018), and was therefore a candidate for classification through an automated scoring system. Utilizing variant allele frequency, disease prevalence and penetrance estimates, and inheritance mode, an automated score was calculated to assess if this variant is too frequent to cause the disease. Based on the score and internal cut-off values, a variant classified as likely benign is not then subjected to further curation. The score for this variant resulted in a classification of likely benign for this disease.

GeneDx
Classification: Benign. Last evaluated: 2015-03-03. Review status: criteria provided, single submitter. Criteria: GeneDx Variant Classification Process June 2021. Collection method: clinical testing. Allele origin: germline. Affected: yes.

Genome Diagnostics Laboratory, University Medical Center Utrecht
Classification: Benign for Cardiac arrhythmia, ankyrin-B-related. Last evaluated: 2014-10-09. Review status: criteria provided, single submitter. Criteria: ACGS Guidelines, 2013. Collection method: clinical testing. Allele origin: germline. Affected: yes. Study: VKGL Data-share Consensus.

Clinical Genetics, Academic Medical Center
Classification: Benign. Review status: no assertion criteria provided. Collection method: clinical testing. Allele origin: germline. Affected: yes. Study: VKGL Data-share Consensus. Not counted in ClinVar's aggregate classification.

Joint Genome Diagnostic Labs from Nijmegen and Maastricht, Radboudumc and MUMC+
Classification: Benign. Review status: no assertion criteria provided. Collection method: clinical testing. Allele origin: germline. Affected: yes. Study: VKGL Data-share Consensus. Not counted in ClinVar's aggregate classification.

NM_001148.6(ANK2):c.2278-11G>A

Gene: ANK2 (ankyrin 2; plus strand). Cytogenetic location: 4q26.
Variant type: single nucleotide variant.
Coding change: c.2278-11G>A on transcript NM_001148.6 (MANE Select); 11 bases into the intron before coding-DNA position 2278, G replaced by A.
Molecular consequence: intron variant.
Genome position (GRCh38, 1-based): chr4:113,292,405, G>A. VCF-style: chr4-113292405-G-A. GRCh37 (hg19) VCF-style: chr4-114213561-G-A.
Other names: c.2266-11G>A (NM_001386186.2, NM_001386148.2); c.2068-11G>A (NM_001354269.3); c.2242-11G>A (NM_001386187.2); c.2236-11G>A (NM_001386147.1, NM_001386160.1, NM_001354261.2); c.2215-11G>A (NM_001354254.2, NM_001354239.2, NM_001354252.2 and 10 more transcripts); c.2116-11G>A (NM_001354253.2, NM_001354270.2, NM_001354257.2 and 1 more transcripts); c.2191-11G>A (NM_001354249.2, NM_001354266.2, NM_001354276.2 and 10 more transcripts); c.2092-11G>A (NM_001386151.1, NM_001354260.2, NM_001354271.2); and 8 more.
Identifiers: ClinVar variation 347314 (VCV000347314.30), dbSNP rs146312675, ClinGen allele CA3050512.